The following is an entry in ClinVar:

ClinVar aggregate classification (germline): Conflicting classifications of pathogenicity. Review status: criteria provided, conflicting classifications (1 of 4 stars). 4 submissions from 4 submitters: Likely pathogenic (1); Uncertain significance (1). 2 of the submissions do not count toward it. Last evaluated 2025-07-10.

Conditions:
Deficiency of alpha-mannosidase (MANSA). Also called: LYSOSOMAL ALPHA-D-MANNOSIDASE DEFICIENCY; Alpha-Mannosidosis; Mannosidosis, alpha-, types I and II. Identifiers: Orphanet 61, MedGen C0024748, MONDO:0009561, OMIM 248500.

Allele frequency attached by ClinVar (database versions not stated): gnomAD 0.00001; TOPMed 0.00001.
gnomAD v4.1: 2 of 1,614,092 alleles (0.00012%); highest among the groups gnomAD compares: Admixed American, 0.0033%; no homozygotes.

Submissions (4):

Myriad Genetics, Inc.
Classification: Likely pathogenic for Deficiency of alpha-mannosidase. Last evaluated: 2025-07-10. Review status: criteria provided, single submitter. Criteria: Myriad Autosomal Dominant, Autosomal Recessive and X-Linked Classification Criteria (2023). Collection method: clinical testing. Allele origin: unknown.
Comment: NM_000528.3(MAN2B1):c.1067C>G(P356R) is a missense variant classified as likely pathogenic in the context of alpha-mannosidosis. P356R has been observed in a case with relevant disease (PMID: 9758606, 9915946). Relevant functional assessments of this variant are available in the literature (PMID: 9758606, 15035660). Internal structural analysis of the variant is supportive of pathogenicity. P356R has not been observed in referenced population frequency databases. In summary, NM_000528.3(MAN2B1):c.1067C>G(P356R) is a missense variant that has both functional and internal structural support for pathogenicity and has been observed more frequently in cases with the relevant disease than in healthy populations. Please note: this variant was assessed in the context of healthy population screening.

Genome-Nilou Lab
Classification: Uncertain significance for Deficiency of alpha-mannosidase. Last evaluated: 2021-09-05. Review status: criteria provided, single submitter. Criteria: ACMG Guidelines, 2015. Collection method: clinical testing. Allele origin: germline. Affected: no.

ClinVar Staff, National Center for Biotechnology Information (NCBI)
Classification: Uncertain significance for Deficiency of alpha-mannosidase. Last evaluated: 2012-06-07. Review status: no assertion criteria provided. Collection method: literature only. Allele origin: germline. Affected: yes. Not counted in ClinVar's aggregate classification.

OMIM
Classification: Pathogenic for ALPHA-MANNOSIDOSIS. Last evaluated: 1998-10-01. Review status: no assertion criteria provided. Collection method: literature only. Allele origin: germline. Not counted in ClinVar's aggregate classification.

Literature cited by the submitters: PubMed 15035660 (cited by Myriad Genetics, Inc.); PubMed 9758606 (cited by 3 submitters); PubMed 9915946 (cited by Myriad Genetics, Inc.).

NM_000528.4(MAN2B1):c.1067C>G (p.Pro356Arg)

Gene: MAN2B1 (mannosidase alpha class 2B member 1; minus strand). Cytogenetic location: 19p13.13.
Variant type: single nucleotide variant.
Coding change: c.1067C>G on transcript NM_000528.4 (MANE Select); coding-DNA position 1067, C replaced by G.
Protein change: p.Pro356Arg; replaces proline 356 with arginine.
Molecular consequence: missense variant.
Genome position (GRCh38, 1-based): chr19:12,658,470, G>C on the plus strand (C>G on the coding strand, the complement: MAN2B1 is on the minus strand). VCF-style: chr19-12658470-G-C. GRCh37 (hg19) VCF-style: chr19-12769284-G-C.
Other names: c.1064C>G, p.Pro355Arg (NM_001173498.2); short protein forms P356R, P355R.
Identifiers: ClinVar variation 1688 (VCV000001688.4), dbSNP rs121434333, ClinGen allele CA339902.